The following is an entry in ClinVar:

NM_004304.5(ALK):c.24G>A (p.Trp8Ter)

Gene: ALK (ALK receptor tyrosine kinase; minus strand). Cytogenetic location: 2p23.1.
Variant type: single nucleotide variant.
Coding change: c.24G>A on transcript NM_004304.5 (MANE Select); coding-DNA position 24, G replaced by A.
Protein change: p.Trp8Ter; replaces tryptophan 8 with a stop codon.
Molecular consequence: nonsense.
Genome position (GRCh38, 1-based): chr2:29,920,636, C>T on the plus strand (G>A on the coding strand, the complement: ALK is on the minus strand). VCF-style: chr2-29920636-C-T. GRCh37 (hg19) VCF-style: chr2-30143502-C-T.
Other names: short protein forms W8*.
Identifiers: ClinVar variation 4272085 (VCV004272085.1).

ClinVar aggregate classification (germline): Uncertain significance (1 of 4 stars; one submission).

Conditions:
Hereditary cancer-predisposing syndrome. Also called: Hereditary Cancer Syndrome; Hereditary neoplastic syndrome; Neoplastic Syndromes, Hereditary; Tumor predisposition. Identifiers: Orphanet 140162, MedGen C0027672, MeSH D009386, MONDO:0015356.

Submission:

Ambry Genetics
Classification: Uncertain significance for Hereditary cancer-predisposing syndrome. Last evaluated: 2025-06-20. Review status: criteria provided, single submitter. Criteria: Ambry Variant Classification Scheme 2023. Collection method: clinical testing. Allele origin: germline.
Comment: The p.W8* variant (also known as c.24G>A), located in coding exon 1 of the ALK gene, results from a G to A substitution at nucleotide position 24. This changes the amino acid from a tryptophan to a stop codon within coding exon 1. This alteration is expected to result in loss of function by premature protein truncation or nonsense-mediated mRNA decay. However, loss of function of ALK has not been established as a mechanism of disease. Based on the available evidence, the clinical significance of this alteration remains unclear.